The following is an entry in ClinVar:

ClinVar aggregate classification (germline): Benign/Likely benign. Review status: criteria provided, multiple submitters, no conflicts (2 of 4 stars). 3 submissions from 3 submitters: Benign (1); Likely benign (2). Last evaluated 2024-10-21.

Conditions:
Hereditary cancer-predisposing syndrome. Also called: Neoplastic Syndromes, Hereditary; Hereditary Cancer Syndrome; Hereditary neoplastic syndrome; Tumor predisposition. Identifiers: Orphanet 140162, MedGen C0027672, MeSH D009386, MONDO:0015356.
Hereditary leiomyomatosis and renal cell cancer. Also called: Reed syndrome; Multiple cutaneous and uterine leiomyomatosis; Cutaneous leiomyomata with uterine leiomyomata; Leiomyoma, hereditary multiple, of skin; Multiple cutaneous and uterine leiomyomata; Multiple cutaneous leiomyomas. Identifiers: Orphanet 523, MedGen C1708350, MONDO:0007888, OMIM 150800, HP:0007437. Disease mechanism: loss of function.

Allele frequency attached by ClinVar (database versions not stated): gnomAD exomes below 0.00001; ExAC 0.00001.
gnomAD v4.1: 1 of 1,614,050 alleles (0.000062%); highest among the groups gnomAD compares: South Asian, 0.0011%; no homozygotes.

Submissions (3):

Myriad Genetics, Inc.
Classification: Benign for Hereditary leiomyomatosis and renal cell cancer. Last evaluated: 2024-10-21. Review status: criteria provided, single submitter. Criteria: Myriad Autosomal Dominant, Autosomal Recessive and X-Linked Classification Criteria (2023). Collection method: clinical testing. Allele origin: unknown.
Comment: This variant is considered benign. This variant is a silent/synonymous amino acid change and it is not expected to impact splicing.

Labcorp Genetics (formerly Invitae), Labcorp
Classification: Likely benign. Last evaluated: 2024-02-01. Review status: criteria provided, single submitter. Criteria: Invitae Variant Classification Sherloc (09022015). Collection method: clinical testing. Allele origin: germline.

Ambry Genetics
Classification: Likely benign for Hereditary cancer-predisposing syndrome. Last evaluated: 2022-12-18. Review status: criteria provided, single submitter. Criteria: Ambry Variant Classification Scheme 2023. Collection method: clinical testing. Allele origin: germline.

NM_000143.4(FH):c.1212G>A (p.Glu404=)

Gene: FH (fumarate hydratase; minus strand). Cytogenetic location: 1q43.
Variant type: single nucleotide variant.
Coding change: c.1212G>A on transcript NM_000143.4 (MANE Select); coding-DNA position 1212, G replaced by A.
Protein change: p.Glu404=; no amino-acid change (glutamic acid 404 retained).
Molecular consequence: synonymous variant.
Genome position (GRCh38, 1-based): chr1:241,502,467, C>T on the plus strand (G>A on the coding strand, the complement: FH is on the minus strand). VCF-style: chr1-241502467-C-T. GRCh37 (hg19) VCF-style: chr1-241665767-C-T.
Identifiers: ClinVar variation 797241 (VCV000797241.12), dbSNP rs752558644, ClinGen allele CA1478529.